The following is an entry in ClinVar:

NM_006031.6(PCNT):c.5192T>C (p.Leu1731Ser)

Gene: PCNT (pericentrin; plus strand). Cytogenetic location: 21q22.3.
Variant type: single nucleotide variant.
Coding change: c.5192T>C on transcript NM_006031.6 (MANE Select); coding-DNA position 5192, T replaced by C.
Protein change: p.Leu1731Ser; replaces leucine 1731 with serine.
Molecular consequence: missense variant.
Genome position (GRCh38, 1-based): chr21:46,411,265, T>C. VCF-style: chr21-46411265-T-C. GRCh37 (hg19) VCF-style: chr21-47831179-T-C.
Other names: c.4838T>C, p.Leu1613Ser (NM_001315529.2); c.5192T>C (NM_006031.5); short protein forms L1613S, L1731S.
Identifiers: ClinVar variation 2002886 (VCV002002886.2), dbSNP rs1160600323, ClinGen allele CA410552085.
Genomic context (GRCh38, chr21:46,411,265, plus strand): 5'-GTTCTGAGATTGAAGAGCTGAAAGCCACTATTGAAAATCTGCAAGAGAATCAGAAACGAT[T>C]ACAAAAGGAGAAAGCAGAGGAAATTGAACAACTCCATGAAGTCATTGAGAAGCTGCAGCA-3'
Protein context (NP_006022.3, residues 1721-1741): IENLQENQKR[Leu1731Ser]QKEKAEEIEQ

ClinVar aggregate classification (germline): Uncertain significance. Review status: criteria provided, single submitter (1 of 4 stars). 2 submissions from 2 submitters: Uncertain significance (1). 1 of the submissions does not count toward it. Last evaluated 2022-08-22.

Conditions:
PCNT-related disorder. Also called: PCNT-related condition.

Allele frequency attached by ClinVar (database versions not stated): gnomAD exomes 0.00001.

Submissions (2):

Labcorp Genetics (formerly Invitae), Labcorp
Classification: Uncertain significance. Last evaluated: 2022-08-22. Review status: criteria provided, single submitter. Criteria: Invitae Variant Classification Sherloc (09022015). Collection method: clinical testing. Allele origin: germline.
Comment: This sequence change replaces leucine, which is neutral and non-polar, with serine, which is neutral and polar, at codon 1731 of the PCNT protein (p.Leu1731Ser). This variant is present in population databases (no rsID available, gnomAD 0.003%). This variant has not been reported in the literature in individuals affected with PCNT-related conditions. Algorithms developed to predict the effect of missense changes on protein structure and function are either unavailable or do not agree on the potential impact of this missense change (SIFT: "Deleterious"; PolyPhen-2: "Possibly Damaging"; Align-GVGD: "Class C0"). In summary, the available evidence is currently insufficient to determine the role of this variant in disease. Therefore, it has been classified as a Variant of Uncertain Significance.

PreventionGenetics, part of Exact Sciences
Classification: Uncertain significance for PCNT-related condition. Last evaluated: 2024-06-22. Review status: no assertion criteria provided. Collection method: clinical testing. Allele origin: germline. Not counted in ClinVar's aggregate classification.
Comment: The PCNT c.5192T>C variant is predicted to result in the amino acid substitution p.Leu1731Ser. To our knowledge, this variant has not been reported in the literature. This variant is reported in 0.0033% of alleles in individuals of South Asian descent in gnomAD. At this time, the clinical significance of this variant is uncertain due to the absence of conclusive functional and genetic evidence.